The following is an entry in ClinVar:

NM_007294.4(BRCA1):c.4075C>A (p.Gln1359Lys)

Genes: BRCA1 (BRCA1 DNA repair associated; minus strand), LOC126862571 (BRD4-independent group 4 enhancer GRCh37_chr17:41243136-41244335; plus strand). Cytogenetic location: 17q21.31.
Variant type: single nucleotide variant.
Coding change: c.4075C>A on transcript NM_007294.4 (MANE Select); coding-DNA position 4075, C replaced by A.
Protein change: p.Gln1359Lys; replaces glutamine 1359 with lysine.
Molecular consequence: missense variant. On other transcripts: intron variant (135).
Genome position (GRCh38, 1-based): chr17:43,091,456, G>T on the plus strand (C>A on the coding strand, the complement: BRCA1 is on the minus strand). VCF-style: chr17-43091456-G-T. GRCh37 (hg19) VCF-style: chr17-41243473-G-T.
Other names: c.3952C>A, p.Gln1318Lys (NM_001407674.1, NM_001407675.1, NM_001407676.1 and 19 more transcripts); c.4075C>A, p.Gln1359Lys (NM_001407684.1, NM_001407854.1, NM_001407858.1 and 30 more transcripts); c.3949C>A, p.Gln1317Lys (NM_001407685.1, NM_001407686.1, NM_001407687.1 and 11 more transcripts); c.3934C>A, p.Gln1312Lys (NM_001407692.1, NM_001407694.1, NM_001407695.1 and 29 more transcripts); c.3931C>A, p.Gln1311Lys (NM_001407740.1, NM_001407741.1, NM_001407742.1 and 20 more transcripts); c.3862C>A, p.Gln1288Lys (NM_001407853.1, NM_001407894.1, NM_001407895.1 and 9 more transcripts); c.4072C>A, p.Gln1358Lys (NM_001407860.1, NM_001407861.1, NM_001407587.1 and 22 more transcripts); c.3874C>A, p.Gln1292Lys (NM_001407862.1); and 41 more; short protein forms Q1312K, Q1359K, Q1063K, Q1247K, Q1288K, Q1311K, Q1356K, Q1358K.
Identifiers: ClinVar variation 801073 (VCV000801073.22), dbSNP rs80357456, ClinGen allele CA10593810.
Genomic context (GRCh38, chr17:43,091,456, plus strand): 5'-AAATAGACTGGGGCAAACACAAAAACCTGGTTCCAATACCTAAGTTTGAATCCATGCTTT[G>T]CTCTTCTTGATTATTTTCTTCCAAGCCCGTTCCTCTTTCTTCATCATCTGAAACCAATTC-3'
Protein context (NP_009225.1, residues 1349-1369): TGLEENNQEE[Gln1359Lys]SMDSNLGEAA

ClinVar aggregate classification (germline): Conflicting classifications of pathogenicity. Review status: criteria provided, conflicting classifications (1 of 4 stars). 9 submissions from 9 submitters: Uncertain significance (8); Likely benign (1). Last evaluated 2026-02-18.

Conditions:
Hereditary breast ovarian cancer syndrome. Also called: BRCA1- and BRCA2-Associated Hereditary Breast and Ovarian Cancer; Hereditary breast and ovarian cancer syndrome (HBOC); Hereditary breast and ovarian cancer syndrome; Breast and ovarian cancer; Hereditary breast and ovarian cancer; Hereditary breast and/or ovarian cancer syndrome. Identifiers: Orphanet 145, MedGen C0677776, MeSH D061325, MONDO:0003582. Disease mechanism: loss of function.
BRCA1-related cancer predisposition. Identifiers: MedGen CN377757, MONDO:0700268.
Hereditary cancer-predisposing syndrome. Also called: Hereditary Cancer Syndrome; Hereditary neoplastic syndrome; Neoplastic Syndromes, Hereditary; Tumor predisposition. Identifiers: Orphanet 140162, MedGen C0027672, MeSH D009386, MONDO:0015356.
Fanconi anemia, complementation group S (FANCS). Identifiers: MedGen C4554406, MONDO:0054748, OMIM 617883.
Breast-ovarian cancer, familial, susceptibility to, 1 (BROVCA1). Also called: OVARIAN CANCER, SUSCEPTIBILITY TO; BRCA1 Hereditary Breast and Ovarian Cancer. Identifiers: Orphanet 145, MedGen C2676676, MONDO:0011450, OMIM 604370. Disease mechanism: loss of function.
Pancreatic cancer, susceptibility to, 4. Identifiers: Orphanet 1333, MedGen C3280442, MONDO:0013685, OMIM 614320.

Allele frequency attached by ClinVar (database versions not stated): gnomAD exomes below 0.00001.
gnomAD v4.1: 1 of 1,613,646 alleles (0.000062%); highest among the groups gnomAD compares: Admixed American, 0.0017%; no homozygotes.

Submissions (9):

Ambry Genetics
Classification: Uncertain significance for Hereditary cancer-predisposing syndrome. Last evaluated: 2026-02-18. Review status: criteria provided, single submitter. Criteria: Ambry Variant Classification Scheme 2023. Collection method: clinical testing. Allele origin: germline.
Comment: The p.Q1359K variant (also known as c.4075C>A), located in coding exon 9 of the BRCA1 gene, results from a C to A substitution at nucleotide position 4075. The glutamine at codon 1359 is replaced by lysine, an amino acid with similar properties. This amino acid position is not well conserved in available vertebrate species. In addition, the in silico prediction for this alteration is inconclusive. Based on the available evidence, the clinical significance of this variant remains unclear.

Labcorp Genetics (formerly Invitae), Labcorp
Classification: Uncertain significance for Hereditary breast ovarian cancer syndrome. Last evaluated: 2025-04-30. Review status: criteria provided, single submitter. Criteria: Invitae Variant Classification Sherloc (09022015). Collection method: clinical testing. Allele origin: germline.
Comment: This sequence change replaces glutamine, which is neutral and polar, with lysine, which is basic and polar, at codon 1359 of the BRCA1 protein (p.Gln1359Lys). This variant is present in population databases (no rsID available, gnomAD 0.003%). This variant has not been reported in the literature in individuals affected with BRCA1-related conditions. ClinVar contains an entry for this variant (Variation ID: 801073). Invitae Evidence Modeling of protein sequence and biophysical properties (such as structural, functional, and spatial information, amino acid conservation, physicochemical variation, residue mobility, and thermodynamic stability) indicates that this missense variant is expected to disrupt BRCA1 protein function with a positive predictive value of 80%. In summary, the available evidence is currently insufficient to determine the role of this variant in disease. Therefore, it has been classified as a Variant of Uncertain Significance.

All of Us Research Program, National Institutes of Health
Classification: Uncertain significance for BRCA1-related cancer predisposition. Last evaluated: 2024-03-24. Review status: criteria provided, single submitter. Criteria: ACMG Guidelines, 2015. Collection method: clinical testing. Allele origin: germline. Inheritance: Autosomal dominant inheritance. Observed: 1 variant allele, 1 heterozygote.
Comment: This missense variant replaces glutamine with lysine at codon 1359 of the BRCA1 protein. Computational prediction suggests that this variant may not impact protein structure and function (internally defined REVEL score threshold <= 0.5, PMID: 27666373). To our knowledge, functional studies have not been reported for this variant. This variant has not been reported in individuals affected with hereditary cancer in the literature. This variant has been identified in 1/250836 chromosomes in the general population by the Genome Aggregation Database (gnomAD). The available evidence is insufficient to determine the role of this variant in disease conclusively. Therefore, this variant is classified as a Variant of Uncertain Significance.

This study involves interpretation of variants in research participants for the purpose of population health screening. Participant phenotype was not available at the time of variant classification. Additional details can be found in publication PMID: 35346344, PMCID: PMC8962531

Color Diagnostics, LLC DBA Color Health
Classification: Uncertain significance for Hereditary cancer-predisposing syndrome. Last evaluated: 2024-03-07. Review status: criteria provided, single submitter. Criteria: ACMG Guidelines, 2015. Collection method: clinical testing. Allele origin: germline.
Comment: This missense variant replaces glutamine with lysine at codon 1359 of the BRCA1 protein. Computational prediction suggests that this variant may not impact protein structure and function. To our knowledge, functional studies have not been reported for this variant. This variant has not been reported in individuals affected with hereditary cancer in the literature. This variant has been identified in 1/250836 chromosomes in the general population by the Genome Aggregation Database (gnomAD). The available evidence is insufficient to determine the role of this variant in disease conclusively. Therefore, this variant is classified as a Variant of Uncertain Significance.

Fulgent Genetics
Classification: Uncertain significance for Breast-ovarian cancer, familial, susceptibility to, 1; Pancreatic cancer, susceptibility to, 4; Fanconi anemia, complementation group S. Last evaluated: 2024-02-16. Review status: criteria provided, single submitter. Criteria: ACMG Guidelines, 2015. Collection method: clinical testing. Allele origin: germline.

University of Washington Department of Laboratory Medicine, University of Washington
Classification: Likely benign for Hereditary cancer-predisposing syndrome. Last evaluated: 2023-03-23. Review status: criteria provided, single submitter. Criteria: Dines et al. (Genet Med. 2020). Collection method: curation. Allele origin: germline.
Comment: Missense variant in a coldspot region where missense variants are very unlikely to be pathogenic (PMID:31911673).

BRCA1 coldspot (exon 11 using historical exon numbering). Reclassification based on statistical prior probability

Women's Health and Genetics/Laboratory Corporation of America, LabCorp
Classification: Uncertain significance. Last evaluated: 2023-02-06. Review status: criteria provided, single submitter. Criteria: LabCorp Variant Classification Summary - May 2015. Collection method: clinical testing. Allele origin: germline.
Comment: Variant summary: BRCA1 c.4075C>A (p.Gln1359Lys) results in a conservative amino acid change in the encoded protein sequence. Five of five in-silico tools predict a benign effect of the variant on protein function. The variant allele was found at a frequency of 4e-06 in 250836 control chromosomes. The available data on variant occurrences in the general population are insufficient to allow any conclusion about variant significance. To our knowledge, no occurrence of c.4075C>A in individuals affected with Hereditary Breast And Ovarian Cancer Syndrome and no experimental evidence demonstrating its impact on protein function have been reported. Three clinical diagnostic laboratories have submitted clinical-significance assessments for this variant to ClinVar after 2014 without evidence for independent evaluation. All laboratories classified the variant as uncertain significance. Based on the evidence outlined above, the variant was classified as uncertain significance.

GeneDx
Classification: Uncertain significance. Last evaluated: 2022-12-02. Review status: criteria provided, single submitter. Criteria: GeneDx Variant Classification Process June 2021. Collection method: clinical testing. Allele origin: germline. Affected: yes.
Comment: Not observed at significant frequency in large population cohorts (gnomAD); In silico analysis supports that this missense variant does not alter protein structure/function; Has not been previously published as pathogenic or benign to our knowledge; Also known as 4194C>A; This variant is associated with the following publications: (PMID: 15343273, 22737296)

Quest Diagnostics Nichols Institute San Juan Capistrano
Classification: Uncertain significance. Last evaluated: 2019-01-16. Review status: criteria provided, single submitter. Criteria: Quest Diagnostics criteria. Collection method: clinical testing. Allele origin: germline.